The following is an entry in ClinVar:

NM_017649.5(CNNM2):c.90C>T (p.Arg30=)

Gene: CNNM2 (cyclin and CBS domain divalent metal cation transport mediator 2; plus strand). Cytogenetic location: 10q24.32.
Variant type: single nucleotide variant.
Coding change: c.90C>T on transcript NM_017649.5 (MANE Select); coding-DNA position 90, C replaced by T.
Protein change: p.Arg30=; no amino-acid change (arginine 30 retained).
Molecular consequence: synonymous variant.
Genome position (GRCh38, 1-based): chr10:102,918,570, C>T. VCF-style: chr10-102918570-C-T. GRCh37 (hg19) VCF-style: chr10-104678327-C-T.
Other names: c.90C>T, p.Arg30= (NM_199076.3, NM_199077.3).
Identifiers: ClinVar variation 757526 (VCV000757526.11), dbSNP rs202027427, ClinGen allele CA5670216.

ClinVar aggregate classification (germline): Benign. Review status: criteria provided, multiple submitters, no conflicts (2 of 4 stars). 3 submissions from 3 submitters: Benign (3). Last evaluated 2026-05-05.

Conditions:
Renal hypomagnesemia 6. Identifiers: Orphanet 34527, MedGen C3151295, MONDO:0013480, OMIM 613882.

Allele frequency attached by ClinVar (database versions not stated): gnomAD 0.00004 and 0.00011; TOPMed 0.00011; 1000 Genomes Project 30x 0.00047; 1000 Genomes Project 0.00060.
gnomAD v4.1: 180 of 1,584,112 alleles (0.011%); highest among the groups gnomAD compares: East Asian, 0.42%; 1 homozygote.

Submissions (3):

Revvity Omics, Revvity
Classification: Benign. Last evaluated: 2026-05-05. Review status: criteria provided, single submitter. Criteria: ACMG Guidelines, 2015. Collection method: clinical testing. Allele origin: germline.

Labcorp Genetics (formerly Invitae), Labcorp
Classification: Benign. Last evaluated: 2024-10-29. Review status: criteria provided, single submitter. Criteria: Invitae Variant Classification Sherloc (09022015). Collection method: clinical testing. Allele origin: germline.

Illumina Laboratory Services, Illumina
Classification: Benign for Renal hypomagnesemia 6. Last evaluated: 2018-01-12. Review status: criteria provided, single submitter. Criteria: ICSL Variant Classification Criteria 13 December 2019. Collection method: clinical testing. Allele origin: germline.
Comment: This variant was observed in the ICSL laboratory as part of a predisposition screen in an ostensibly healthy population. It had not been previously curated by ICSL or reported in the Human Gene Mutation Database (HGMD: prior to June 1st, 2018), and was therefore a candidate for classification through an automated scoring system. Utilizing variant allele frequency, disease prevalence and penetrance estimates, and inheritance mode, an automated score was calculated to assess if this variant is too frequent to cause the disease. Based on the score and internal cut-off values, a variant classified as benign is not then subjected to further curation. The score for this variant resulted in a classification of benign for this disease.